The following is an entry in ClinVar:

NM_001017420.3(ESCO2):c.470dup (p.Val158fs)

Gene: ESCO2 (establishment of sister chromatid cohesion N-acetyltransferase 2; plus strand). Cytogenetic location: 8p21.1.
Variant type: Duplication.
Coding change: c.470dup on transcript NM_001017420.3 (MANE Select); coding-DNA position 470, one base duplicated (C; older notation c.470dupC).
Protein change: p.Val158fs; shifts the reading frame from valine 158.
Molecular consequence: frameshift variant.
Genome position (GRCh38, 1-based): chr8:27,776,778, C duplicated; the last of 2 consecutive C bases (chr8:27,776,777-27,776,778); duplicating either gives the same sequence. VCF-style (leftmost placement, unchanged base first): chr8-27776776-G-GC. GRCh37 (hg19) VCF-style: chr8-27634293-G-GC.
Other names: short protein forms V158fs.
Identifiers: ClinVar variation 948664 (VCV000948664.6), dbSNP rs1804802649, ClinGen allele CA1139660404.
Genomic context (GRCh38, chr8:27,776,776, plus strand): 5'-CAACAAAAAACCACAGAAGAGTTTAACTGCTAAGTATCAACCAAAGTATAGACACATCAA[G>GC]CCTGTATCAAGGAATTCTAGAAATTCCAAGCAAAATCGAGTGATCTATAAGCCAATTGTG-3'

ClinVar aggregate classification (germline): Pathogenic (1 of 4 stars; one submission).

Submission:

Labcorp Genetics (formerly Invitae), Labcorp
Classification: Pathogenic. Last evaluated: 2019-05-30. Review status: criteria provided, single submitter. Criteria: Invitae Variant Classification Sherloc (09022015). Collection method: clinical testing. Allele origin: germline.
Comment: Loss-of-function variants in ESCO2 are known to be pathogenic (PMID: 15821733, 16380922). This variant has not been reported in the literature in individuals with ESCO2-related conditions. This variant is not present in population databases (ExAC no frequency). This sequence change creates a premature translational stop signal (p.Val158Cysfs*6) in the ESCO2 gene. It is expected to result in an absent or disrupted protein product. For these reasons, this variant has been classified as Pathogenic.

Literature cited by the submitters: PubMed 15821733; PubMed 16380922.